The following is an entry in ClinVar:

NM_005585.5(SMAD6):c.29T>G (p.Val10Gly)

Gene: SMAD6 (SMAD family member 6; plus strand). Cytogenetic location: 15q22.31.
Variant type: single nucleotide variant.
Coding change: c.29T>G on transcript NM_005585.5 (MANE Select); coding-DNA position 29, T replaced by G.
Protein change: p.Val10Gly; replaces valine 10 with glycine.
Molecular consequence: missense variant. On other transcripts: non-coding transcript variant (1).
Genome position (GRCh38, 1-based): chr15:66,703,287, T>G. VCF-style: chr15-66703287-T-G. GRCh37 (hg19) VCF-style: chr15-66995625-T-G.
Other names: c.29T>G (NM_005585.4); short protein forms V10G.
Identifiers: ClinVar variation 2742462 (VCV002742462.4), dbSNP rs1426799911, ClinGen allele CA392948312.

ClinVar aggregate classification (germline): Uncertain significance. Review status: criteria provided, multiple submitters, no conflicts (2 of 4 stars). 2 submissions from 2 submitters: Uncertain significance (2). Last evaluated 2026-04-26.

Conditions:
Aortic valve disease 2 (AOVD2). Identifiers: MedGen C3542024, MONDO:0013902, OMIM 614823.

Allele frequency attached by ClinVar (database versions not stated): gnomAD 0.00001; gnomAD exomes below 0.00001.
gnomAD v4.1: 5 of 1,489,844 alleles (0.00034%); highest among the groups gnomAD compares: African/African-American, 0.0029%; no homozygotes.

Submissions (2):

GeneDx
Classification: Uncertain significance. Last evaluated: 2026-04-26. Review status: criteria provided, single submitter. Criteria: GeneDx Variant Classification Process June 2021. Collection method: clinical testing. Allele origin: germline.
Comment: Not observed at significant frequency in large population cohorts (gnomAD); In silico analysis suggests that this missense variant does not alter protein structure/function; Has not been previously published as pathogenic or benign to our knowledge.

Labcorp Genetics (formerly Invitae), Labcorp
Classification: Uncertain significance for Aortic valve disease 2. Last evaluated: 2023-03-17. Review status: criteria provided, single submitter. Criteria: Invitae Variant Classification Sherloc (09022015). Collection method: clinical testing. Allele origin: germline.
Comment: In summary, the available evidence is currently insufficient to determine the role of this variant in disease. Therefore, it has been classified as a Variant of Uncertain Significance. An algorithm developed to predict the effect of missense changes on protein structure and function (PolyPhen-2) suggests that this variant is likely to be disruptive. This variant has not been reported in the literature in individuals affected with SMAD6-related conditions. This variant is not present in population databases (gnomAD no frequency). This sequence change replaces valine, which is neutral and non-polar, with glycine, which is neutral and non-polar, at codon 10 of the SMAD6 protein (p.Val10Gly).